The following is an entry in ClinVar:

NM_001999.4(FBN2):c.3466T>C (p.Cys1156Arg)

Gene: FBN2 (fibrillin 2; minus strand). Cytogenetic location: 5q23.3.
Variant type: single nucleotide variant.
Coding change: c.3466T>C on transcript NM_001999.4 (MANE Select); coding-DNA position 3466, T replaced by C.
Protein change: p.Cys1156Arg; replaces cysteine 1156 with arginine.
Molecular consequence: missense variant.
Genome position (GRCh38, 1-based): chr5:128,338,939, A>G on the plus strand (T>C on the coding strand, the complement: FBN2 is on the minus strand). VCF-style: chr5-128338939-A-G. GRCh37 (hg19) VCF-style: chr5-127674631-A-G.
Other names: short protein forms C1156R.
Identifiers: ClinVar variation 986104 (VCV000986104.7), dbSNP rs1750917259, ClinGen allele CA360759755.

ClinVar aggregate classification (germline): Pathogenic/Likely pathogenic. Review status: criteria provided, multiple submitters, no conflicts (2 of 4 stars). 3 submissions from 3 submitters: Pathogenic (1); Likely pathogenic (2). Last evaluated 2024-05-16.

Conditions:
Familial thoracic aortic aneurysm and aortic dissection (TAAD). Also called: Thoracic aortic aneurysms and dissections. Identifiers: Orphanet 91387, MedGen C4707243, MONDO:0019625.
Congenital contractural arachnodactyly (CCA). Also called: BEALS SYNDROME; Beals-Hecht syndrome; Arthrogryposis, distal, type 9. Identifiers: Orphanet 115, MedGen C0220668, MONDO:0007363, OMIM 121050.

Submissions (3):

Labcorp Genetics (formerly Invitae), Labcorp
Classification: Pathogenic for Congenital contractural arachnodactyly. Last evaluated: 2024-05-16. Review status: criteria provided, single submitter. Criteria: Invitae Variant Classification Sherloc (09022015). Collection method: clinical testing. Allele origin: germline.
Comment: This sequence change replaces cysteine, which is neutral and slightly polar, with arginine, which is basic and polar, at codon 1156 of the FBN2 protein (p.Cys1156Arg). This variant is not present in population databases (gnomAD no frequency). This missense change has been observed in individual(s) with congenital contractural arachnodactyly syndrome (Invitae). ClinVar contains an entry for this variant (Variation ID: 986104). Advanced modeling of protein sequence and biophysical properties (such as structural, functional, and spatial information, amino acid conservation, physicochemical variation, residue mobility, and thermodynamic stability) performed at Invitae indicates that this missense variant is expected to disrupt FBN2 protein function with a positive predictive value of 80%. This variant affects a cysteine residue located within an epidermal growth factor (EGF)–like domain of the FBN2 protein. Cysteine residues in these domains are involved in the formation of disulfide bridges critical for protein structure and stability (PMID: 3495735, 4750422, 16677079). In addition, missense substitutions within the FBN2 EGF-like domains affecting cysteine residues are overrepresented in patients with congenital contractural arachnodactyly (PMID: 18767143). This variant disrupts the p.Cys1156 amino acid residue in FBN2. Other variant(s) that disrupt this residue have been observed in individuals with FBN2-related conditions (PMID: 19006240, 35360850; Invitae), which suggests that this may be a clinically significant amino acid residue. For these reasons, this variant has been classified as Pathogenic.

Kasturba Medical College, Manipal, Kasturba Medical College, Manipal, Manipal Academy of Higher Education, Manipal, India
Classification: Likely pathogenic for Congenital contractural arachnodactyly. Last evaluated: 2023-01-23. Review status: criteria provided, single submitter. Criteria: ACMG Guidelines, 2015. Collection method: clinical testing. Allele origin: germline. Affected: yes.

Ambry Genetics
Classification: Likely pathogenic for Familial thoracic aortic aneurysm and aortic dissection. Last evaluated: 2019-03-11. Review status: criteria provided, single submitter. Criteria: Ambry Variant Classification Scheme 2023. Collection method: clinical testing. Allele origin: germline.
Comment: The alteration results in an amino acid change:_x000D_ _x000D_ The c.3466T>C (p.C1156R) alteration is located in coding exon 26 of the FBN2 gene. This alteration results from a T to C substitution at nucleotide position 3466, causing the cysteine (C) at amino acid position 1156 to be replaced by an arginine (R). The alteration is not observed in population databases:_x000D_ _x000D_ Based on data from the Genome Aggregation Database (gnomAD), the FBN2 c.3466T>C alteration was not observed, with coverage at this position. The altered amino acid is conserved throughout evolution:_x000D_ _x000D_ The p.C1156 amino acid is conserved in available vertebrate species. Structural analysis reveals a damaging effect of the amino acid alteration:_x000D_ _x000D_ Based on internal structural assessment, this alteration eliminates a structurally critical disulfide-bond motif (Downing, 1996). The alteration is predicted deleterious by in silico models:_x000D_ _x000D_ The p.C1156R alteration is predicted to be probably damaging by Polyphen and deleterious by SIFT in silico analyses. Based on the available evidence, this alteration is classified as likely pathogenic.

Literature cited by the submitters: PubMed 3495735 (cited by Labcorp Genetics (formerly Invitae), Labcorp); PubMed 4750422 (cited by Labcorp Genetics (formerly Invitae), Labcorp); PubMed 16677079 (cited by Labcorp Genetics (formerly Invitae), Labcorp); PubMed 18767143 (cited by Labcorp Genetics (formerly Invitae), Labcorp); PubMed 19006240 (cited by Labcorp Genetics (formerly Invitae), Labcorp); PubMed 35360850 (cited by Labcorp Genetics (formerly Invitae), Labcorp); PubMed 8653794 (cited by Ambry Genetics).